The following is an entry in ClinVar:

ClinVar aggregate classification (germline): Uncertain significance. Review status: criteria provided, multiple submitters, no conflicts (2 of 4 stars). 9 submissions from 9 submitters: Uncertain significance (8). 1 of the submissions does not count toward it. Last evaluated 2025-10-28.

Conditions:
Familial adenomatous polyposis 1 (FAP1). Also called: POLYPOSIS, ADENOMATOUS INTESTINAL; FAMILIAL ADENOMATOUS POLYPOSIS 1, ATTENUATED. Identifiers: MedGen C2713442, MONDO:0021056, OMIM 175100. Disease mechanism: loss of function.
Hereditary cancer-predisposing syndrome. Also called: Hereditary neoplastic syndrome; Neoplastic Syndromes, Hereditary; Tumor predisposition; Hereditary Cancer Syndrome. Identifiers: Orphanet 140162, MedGen C0027672, MeSH D009386, MONDO:0015356.
Classic or attenuated familial adenomatous polyposis. Identifiers: MedGen CN372698, MONDO:0021057.

Allele frequency attached by ClinVar (database versions not stated): gnomAD exomes below 0.00001; gnomAD 0.00001; TOPMed 0.00001.
gnomAD v4.1: 5 of 1,613,040 alleles (0.00031%); highest among the groups gnomAD compares: Non-Finnish European, 0.00042%; no homozygotes.

Submissions (9):

Labcorp Genetics (formerly Invitae), Labcorp
Classification: Uncertain significance for Familial adenomatous polyposis 1. Last evaluated: 2025-10-28. Review status: criteria provided, single submitter. Criteria: Invitae Variant Classification Sherloc (09022015). Collection method: clinical testing. Allele origin: germline.
Comment: This sequence change replaces valine, which is neutral and non-polar, with leucine, which is neutral and non-polar, at codon 1789 of the APC protein (p.Val1789Leu). This variant is not present in population databases (gnomAD no frequency). This missense change has been observed in individual(s) with attenuated polyposis or papillary thyroid cancer (PMID: 23561487, 33821390). ClinVar contains an entry for this variant (Variation ID: 470002). Invitae Evidence Modeling of protein sequence and biophysical properties (such as structural, functional, and spatial information, amino acid conservation, physicochemical variation, residue mobility, and thermodynamic stability) indicates that this missense variant is not expected to disrupt APC protein function with a negative predictive value of 95%. In summary, the available evidence is currently insufficient to determine the role of this variant in disease. Therefore, it has been classified as a Variant of Uncertain Significance.

Ambry Genetics
Classification: Uncertain significance for Hereditary cancer-predisposing syndrome. Last evaluated: 2025-09-22. Review status: criteria provided, single submitter. Criteria: Ambry Variant Classification Scheme 2023. Collection method: clinical testing. Allele origin: germline.
Comment: The p.V1789L variant (also known as c.5365G>C), located in coding exon 15 of the APC gene, results from a G to C substitution at nucleotide position 5365. The valine at codon 1789 is replaced by leucine, an amino acid with highly similar properties. This alteration was seen in 1/732 breast cancer patients, 0/189 colorectal cancer patients and 0/490 cancer-free elderly controls in a Turkish population (Akcay IM et al. Int J Cancer, 2021 01;148:285-295). This amino acid position is not well conserved in available vertebrate species. In addition, in silico predictors for this gene do not accurately predict pathogenicity. Missense alterations in APC are not a common cause of disease (Spier I et al. Genet Med. 2024 Feb;26(2):100992). Since supporting evidence is limited at this time, the clinical significance of this alteration remains unclear.

Color Diagnostics, LLC DBA Color Health
Classification: Uncertain significance for Hereditary cancer-predisposing syndrome. Last evaluated: 2025-01-28. Review status: criteria provided, single submitter. Criteria: ACMG Guidelines, 2015. Collection method: clinical testing. Allele origin: germline.
Comment: This missense variant replaces valine with leucine at codon 1789 of the APC protein. Computational prediction suggests that this variant may not impact protein structure and function (internally defined REVEL score threshold <= 0.5, PMID: 27666373). To our knowledge, functional studies have not been reported for this variant. This variant has been reported in an individual affected with attenuated familial adenomatous polyposis (PMID: 23561487). This variant has been identified in 5/1613040 chromosomes in the general population by the Genome Aggregation Database (gnomAD). The available evidence is insufficient to determine the role of this variant in disease conclusively. Therefore, this variant is classified as a Variant of Uncertain Significance.

All of Us Research Program, National Institutes of Health
Classification: Uncertain significance for Classic or attenuated familial adenomatous polyposis. Last evaluated: 2024-08-29. Review status: criteria provided, single submitter. Criteria: ACMG Guidelines, 2015. Collection method: clinical testing. Allele origin: germline. Inheritance: Autosomal dominant inheritance. Observed: 3 variant alleles, 3 heterozygotes.
Comment: This missense variant replaces valine with leucine at codon 1789 of the APC protein. Computational prediction suggests that this variant may not impact protein structure and function (internally defined REVEL score threshold <= 0.5, PMID: 27666373). Splice site prediction tools suggest that this variant may not impact RNA splicing. To our knowledge, functional studies have not been reported for this variant. This variant has been reported in individuals affected with attenuated polyposis (PMID: 23561487), thyroid cancer (PMID: 33821390), breast/ovarian/pancreatic cancer (PMID: 32957588), breast cancer (DOI: 10.1101/2021.04.15.21255554), advanced cancer (PMID: 28873162), or Mullerian cancer (PMID: 27150160). This variant has not been identified in the general population by the Genome Aggregation Database (gnomAD). The available evidence is insufficient to determine the role of this variant in disease conclusively. Therefore, this variant is classified as a Variant of Uncertain Significance.

This study involves interpretation of variants in research participants for the purpose of population health screening. Participant phenotype was not available at the time of variant classification. Additional details can be found in publication PMID: 35346344, PMCID: PMC8962531

Baylor Genetics
Classification: Uncertain significance for Familial adenomatous polyposis 1. Last evaluated: 2024-01-31. Review status: criteria provided, single submitter. Criteria: ACMG Guidelines, 2015. Collection method: clinical testing. Allele origin: unknown.

Women's Health and Genetics/Laboratory Corporation of America, LabCorp
Classification: Uncertain significance. Last evaluated: 2023-10-02. Review status: criteria provided, single submitter. Criteria: LabCorp Variant Classification Summary - May 2015. Collection method: clinical testing. Allele origin: germline.
Comment: Variant summary: APC c.5365G>C (p.Val1789Leu) results in a conservative amino acid change in the encoded protein sequence. Five of five in-silico tools predict a benign effect of the variant on protein function. The variant was absent in 250160 control chromosomes (gnomAD). The available data on variant occurrences in the general population are insufficient to allow any conclusion about variant significance. c.5365G>C has been reported in the literature in an individual diagnosed with attenuated polyposis (Torrezan_2013) and others who had multigene panel testing for hereditary cancer (Germani_2020, deOliveira_2021). However, authors of these publications classified the variant as unknown significance. These report(s) do not provide unequivocal conclusions about association of the variant with Familial Adenomatous Polyposis. To our knowledge, no experimental evidence demonstrating an impact on protein function has been reported. The following publications have been ascertained in the context of this evaluation (PMID: 32957588, 23561487, 35534704). Six submitters have cited clinical-significance assessments for this variant to ClinVar after 2014. All submitters classified the variant as uncertain significance. Based on the evidence outlined above, the variant was classified as uncertain significance.

Myriad Genetics, Inc.
Classification: Uncertain significance for Familial adenomatous polyposis 1. Last evaluated: 2023-02-13. Review status: criteria provided, single submitter. Criteria: Myriad Autosomal Dominant, Autosomal Recessive and X-Linked Classification Criteria (2023). Collection method: clinical testing. Allele origin: unknown.
Comment: This variant is classified as a variant of uncertain significance as there is insufficient evidence to determine its impact on protein function and/or cancer risk.

Mendelics
Classification: Uncertain significance for Familial adenomatous polyposis 1. Last evaluated: 2018-07-02. Review status: criteria provided, single submitter. Criteria: Mendelics Assertion Criteria 2017. Collection method: clinical testing. Allele origin: unknown.

Counsyl
Classification: Uncertain significance for Familial adenomatous polyposis 1. Last evaluated: 2017-06-23. Review status: no assertion criteria provided. Collection method: clinical testing. Allele origin: unknown. Not counted in ClinVar's aggregate classification.

Literature cited by the submitters: PubMed 23561487 (cited by 6 submitters); PubMed 33821390 (cited by Labcorp Genetics (formerly Invitae), Labcorp and All of Us Research Program, National Institutes of Health); PubMed 32658311 (cited by Ambry Genetics); PubMed 27150160 (cited by All of Us Research Program, National Institutes of Health); PubMed 28873162 (cited by All of Us Research Program, National Institutes of Health); PubMed 32957588 (cited by All of Us Research Program, National Institutes of Health and Women's Health and Genetics/Laboratory Corporation of America, LabCorp); PubMed 35534704 (cited by Women's Health and Genetics/Laboratory Corporation of America, LabCorp).

NM_000038.6(APC):c.5365G>C (p.Val1789Leu)

Gene: APC (APC regulator of Wnt signaling pathway; plus strand). Cytogenetic location: 5q22.2.
Variant type: single nucleotide variant.
Coding change: c.5365G>C on transcript NM_000038.6 (MANE Select); coding-DNA position 5365, G replaced by C.
Protein change: p.Val1789Leu; replaces valine 1789 with leucine.
Molecular consequence: missense variant.
Genome position (GRCh38, 1-based): chr5:112,840,959, G>C. VCF-style: chr5-112840959-G-C. GRCh37 (hg19) VCF-style: chr5-112176656-G-C.
Other names: c.5365G>C, p.Val1789Leu (NM_001127510.3, NM_001354895.2); c.5311G>C, p.Val1771Leu (NM_001127511.3); c.5419G>C, p.Val1807Leu (NM_001354896.2); c.5395G>C, p.Val1799Leu (NM_001354897.2); c.5290G>C, p.Val1764Leu (NM_001354898.2); c.5281G>C, p.Val1761Leu (NM_001354899.2); c.5242G>C, p.Val1748Leu (NM_001354900.2); c.5188G>C, p.Val1730Leu (NM_001354901.2); and 5 more; short protein forms V1789L, V1771L, V1629L, V1761L, V1764L, V1506L, V1807L, V1688L.
Identifiers: ClinVar variation 470002 (VCV000470002.28), dbSNP rs1554086666, ClinGen allele CA16033056.
Genomic context (GRCh38, chr5:112,840,959, plus strand): 5'-AAAAAGAAACCAACTTCACCAGTAAAACCTATACCACAAAATACTGAATATAGGACACGT[G>C]TAAGAAAAAATGCAGACTCAAAAAATAATTTAAATGCTGAGAGAGTTTTCTCAGACAACA-3'
Protein context (NP_000029.2, residues 1779-1799): IPQNTEYRTR[Val1789Leu]RKNADSKNNL